The following is an entry in ClinVar:

ClinVar aggregate classification (germline): Likely benign. Review status: criteria provided, multiple submitters, no conflicts (2 of 4 stars). 3 submissions from 3 submitters: Likely benign (3). Last evaluated 2023-02-15.

Conditions:
Cardiovascular phenotype. Identifiers: MedGen CN230736.
Arrhythmogenic right ventricular cardiomyopathy (ARVD). Also called: Cardiomyopathy, ARVC; Arrhythmogenic right ventricular dysplasia; Arrhythmogenic cardiomyopathy; Arrhythmogenic Right Ventricular Cardiomyopathy (ARVC). Identifiers: Orphanet 247, MedGen C0349788, MeSH D019571, MONDO:0016587. Disease mechanism: loss of function. Inheritance: Various modes of inheritance.
Cardiomyopathy (CMYO). Also called: Cardiomyopathies. Identifiers: Orphanet 167848, MedGen C0878544, MONDO:0004994, HP:0001638. Inheritance: Various modes of inheritance.

Allele frequency attached by ClinVar (database versions not stated): gnomAD exomes below 0.00001.
gnomAD v4.1: 1 of 1,613,484 alleles (0.000062%); highest among the groups gnomAD compares: Non-Finnish European, 0.000085%; no homozygotes.

Submissions (3):

All of Us Research Program, National Institutes of Health
Classification: Likely benign for Arrhythmogenic right ventricular cardiomyopathy. Last evaluated: 2023-02-15. Review status: criteria provided, single submitter. Criteria: ACMG Guidelines, 2015. Collection method: clinical testing. Allele origin: germline. Inheritance: Autosomal dominant inheritance. Observed: 1 variant allele, 1 heterozygote.
Comment: This study involves interpretation of variants in research participants for the purpose of population health screening. Participant phenotype was not available at the time of variant classification. Additional details can be found in publication PMID: 35346344, PMCID: PMC8962531

Ambry Genetics
Classification: Likely benign for Cardiovascular phenotype. Last evaluated: 2021-05-13. Review status: criteria provided, single submitter. Criteria: Ambry Variant Classification Scheme 2023. Collection method: clinical testing. Allele origin: germline.

Color Diagnostics, LLC DBA Color Health
Classification: Likely benign for Cardiomyopathy. Last evaluated: 2021-01-20. Review status: criteria provided, single submitter. Criteria: ACMG Guidelines, 2015. Collection method: clinical testing. Allele origin: germline.

NM_001005242.3(PKP2):c.2067C>T (p.His689=)

Gene: PKP2 (plakophilin 2; minus strand). Cytogenetic location: 12p11.21.
Variant type: single nucleotide variant.
Coding change: c.2067C>T on transcript NM_001005242.3 (MANE Select); coding-DNA position 2067, C replaced by T.
Protein change: p.His689=; no amino-acid change (histidine 689 retained).
Molecular consequence: synonymous variant.
Genome position (GRCh38, 1-based): chr12:32,802,503, G>A on the plus strand (C>T on the coding strand, the complement: PKP2 is on the minus strand). VCF-style: chr12-32802503-G-A. GRCh37 (hg19) VCF-style: chr12-32955437-G-A.
Other names: c.2199C>T, p.His733= (NM_004572.4).
Identifiers: ClinVar variation 1171292 (VCV001171292.5), dbSNP rs2137725631, ClinGen allele CA479174822.